The following is an entry in ClinVar:

ClinVar aggregate classification (germline): Likely benign. Review status: criteria provided, multiple submitters, no conflicts (2 of 4 stars). 6 submissions from 6 submitters: Likely benign (5). 1 of the submissions does not count toward it. Last evaluated 2025-11-24.

Conditions:
KCNQ4-related disorder. Also called: KCNQ4-related condition.
Autosomal dominant nonsyndromic hearing loss 2A. Also called: DFNA2 Nonsyndromic Hearing Loss; Autosomal dominant nonsyndromic deafness 2A; Deafness, autosomal dominant 2A. Identifiers: Orphanet 90635, MedGen C2677637, MONDO:0010817, OMIM 600101.

Allele frequency attached by ClinVar (database versions not stated): ExAC 0.00008; gnomAD exomes 0.00013 and 0.00015; ESP Exome Variant Server 0.00015; gnomAD 0.00016; TOPMed 0.00020.
gnomAD v4.1: 252 of 1,613,882 alleles (0.016%); highest among the groups gnomAD compares: Admixed American, 0.035%; no homozygotes.

Submissions (6):

Labcorp Genetics (formerly Invitae), Labcorp
Classification: Likely benign. Last evaluated: 2025-11-24. Review status: criteria provided, single submitter. Criteria: Invitae Variant Classification Sherloc (09022015). Collection method: clinical testing. Allele origin: germline.

Blueprint Genetics
Classification: Likely benign. Last evaluated: 2024-11-11. Review status: criteria provided, single submitter. Criteria: ACMG Guidelines, 2015. Collection method: clinical testing. Allele origin: germline.

Genome-Nilou Lab
Classification: Likely benign for Autosomal dominant nonsyndromic hearing loss 2A. Last evaluated: 2023-04-11. Review status: criteria provided, single submitter. Criteria: ACMG Guidelines, 2015. Collection method: clinical testing. Allele origin: germline. Affected: no.

GeneDx
Classification: Likely benign. Last evaluated: 2018-03-21. Review status: criteria provided, single submitter. Criteria: GeneDx Variant Classification (06012015). Collection method: clinical testing. Allele origin: germline. Affected: yes.
Comment: This variant is considered likely benign or benign based on one or more of the following criteria: it is a conservative change, it occurs at a poorly conserved position in the protein, it is predicted to be benign by multiple in silico algorithms, and/or has population frequency not consistent with disease.

Laboratory for Molecular Medicine, Mass General Brigham Personalized Medicine
Classification: Likely benign. Last evaluated: 2016-07-05. Review status: criteria provided, single submitter. Criteria: LMM Criteria. Collection method: clinical testing. Allele origin: germline. Observed: 1 variant allele.
Comment: p.Gly245Gly in exon 05 of KCNQ4: This variant is not expected to have clinical s ignificance because it does not alter an amino acid residue, is not located with in the splice consensus sequence, and has been identified in 9/66470 European ch romosomes by the Exome Aggregation Consortium (ExAC. org; dbSNP rs147751558).

PreventionGenetics, part of Exact Sciences
Classification: Likely benign for KCNQ4-related condition. Last evaluated: 2024-05-21. Review status: no assertion criteria provided. Collection method: clinical testing. Allele origin: germline. Not counted in ClinVar's aggregate classification.
Comment: This variant is classified as likely benign based on ACMG/AMP sequence variant interpretation guidelines (Richards et al. 2015 PMID: 25741868, with internal and published modifications).

NM_004700.4(KCNQ4):c.735G>A (p.Gly245=)

Gene: KCNQ4 (potassium voltage-gated channel subfamily Q member 4; plus strand). Cytogenetic location: 1p34.2.
Variant type: single nucleotide variant.
Coding change: c.735G>A on transcript NM_004700.4 (MANE Select); coding-DNA position 735, G replaced by A.
Protein change: p.Gly245=; no amino-acid change (glycine 245 retained).
Molecular consequence: synonymous variant.
Genome position (GRCh38, 1-based): chr1:40,819,373, G>A. VCF-style: chr1-40819373-G-A. GRCh37 (hg19) VCF-style: chr1-41285045-G-A.
Other names: c.735G>A, p.Gly245= (NM_172163.3).
Identifiers: ClinVar variation 504604 (VCV000504604.17), dbSNP rs147751558, ClinGen allele CA794629.
Genomic context (GRCh38, chr1:40,819,373, plus strand): 5'-CGCTCCTCACCGCGCCCCTCCGCCTGCCCCGCAGGAGCTGATCACCGCCTGGTACATCGG[G>A]TTCCTGGTGCTCATCTTCGCCTCCTTCCTGGTCTACCTGGCTGAGAAGGACGCCAACTCC-3'
Protein context (NP_004691.2, residues 235-255): SKELITAWYI[Gly245=]FLVLIFASFL